The following is an entry in ClinVar:

ClinVar aggregate classification (germline): Uncertain significance (1 of 4 stars; one submission).

Submission:

Ambry Genetics
Classification: Uncertain significance. Last evaluated: 2023-02-25. Review status: criteria provided, single submitter. Criteria: Ambry Variant Classification Scheme 2023. Collection method: clinical testing. Allele origin: germline.
Comment: The p.D208V variant (also known as c.623A>T), located in coding exon 4 of the POLQ gene, results from an A to T substitution at nucleotide position 623. The aspartic acid at codon 208 is replaced by valine, an amino acid with highly dissimilar properties. This amino acid position is conserved. In addition, this alteration is predicted to be tolerated by in silico analysis. Since supporting evidence is limited at this time, the clinical significance of this alteration remains unclear.

NM_199420.4(POLQ):c.623A>T (p.Asp208Val)

Gene: POLQ (DNA polymerase theta; minus strand). Cytogenetic location: 3q13.33.
Variant type: single nucleotide variant.
Coding change: c.623A>T on transcript NM_199420.4 (MANE Select); coding-DNA position 623, A replaced by T.
Protein change: p.Asp208Val; replaces aspartic acid 208 with valine.
Molecular consequence: missense variant.
Genome position (GRCh38, 1-based): chr3:121,539,441, T>A on the plus strand (A>T on the coding strand, the complement: POLQ is on the minus strand). VCF-style: chr3-121539441-T-A. GRCh37 (hg19) VCF-style: chr3-121258288-T-A.
Other names: short protein forms D208V.
Identifiers: ClinVar variation 2449031 (VCV002449031.2), dbSNP rs2546824463, ClinGen allele CA354090986.